The following is an entry in ClinVar:

ClinVar aggregate classification (germline): Likely benign. Review status: criteria provided, single submitter (1 of 4 stars). 2 submissions from 2 submitters: Likely benign (1). 1 of the submissions does not count toward it. Last evaluated 2022-08-25.

Conditions:
LEP-related disorder. Also called: LEP-related condition.

Allele frequency attached by ClinVar (database versions not stated): ExAC 0.00010; ESP Exome Variant Server 0.00031.
gnomAD v4.1: 77 of 1,613,958 alleles (0.0048%); highest among the groups gnomAD compares: African/African-American, 0.083%; no homozygotes.

Submissions (2):

Blueprint Genetics
Classification: Likely benign. Last evaluated: 2022-08-25. Review status: criteria provided, single submitter. Criteria: ACMG Guidelines, 2015. Collection method: clinical testing. Allele origin: germline.

PreventionGenetics, part of Exact Sciences
Classification: Likely benign for LEP-related condition. Last evaluated: 2019-09-13. Review status: no assertion criteria provided. Collection method: clinical testing. Allele origin: germline. Not counted in ClinVar's aggregate classification.
Comment: This variant is classified as likely benign based on ACMG/AMP sequence variant interpretation guidelines (Richards et al. 2015 PMID: 25741868, with internal and published modifications).

NM_000230.3(LEP):c.204C>G (p.Pro68=)

Gene: LEP (leptin; plus strand). Cytogenetic location: 7q32.1.
Variant type: single nucleotide variant.
Coding change: c.204C>G on transcript NM_000230.3 (MANE Select); coding-DNA position 204, C replaced by G.
Protein change: p.Pro68=; no amino-acid change (proline 68 retained).
Molecular consequence: synonymous variant.
Genome position (GRCh38, 1-based): chr7:128,254,463, C>G. VCF-style: chr7-128254463-C-G. GRCh37 (hg19) VCF-style: chr7-127894516-C-G.
Identifiers: ClinVar variation 3044720 (VCV003044720.3), dbSNP rs140510728, ClinGen allele CA4469672.
Genomic context (GRCh38, chr7:128,254,463, plus strand): 5'-GCAGTCAGTCTCCTCCAAACAGAAAGTCACCGGTTTGGACTTCATTCCTGGGCTCCACCC[C>G]ATCCTGACCTTATCCAAGATGGACCAGACACTGGCAGTCTACCAACAGATCCTCACCAGT-3'
Protein context (NP_000221.1, residues 58-78): TGLDFIPGLH[Pro68=]ILTLSKMDQT